The following is an entry in ClinVar:

ClinVar aggregate classification (germline): Pathogenic (1 of 4 stars; one submission).

Conditions:
Mucolipidosis type IV (ML4). Also called: ML IV. Identifiers: Orphanet 578, MedGen C0238286, MONDO:0009653, OMIM 252650.

Submission:

Myriad Genetics, Inc.
Classification: Pathogenic for Mucolipidosis type IV. Last evaluated: 2023-08-27. Review status: criteria provided, single submitter. Criteria: Myriad Autosomal Dominant, Autosomal Recessive and X-Linked Classification Criteria (2023). Collection method: clinical testing. Allele origin: unknown.
Comment: NM_020533.2(MCOLN1):c.516_517ins5(G173Lfs*67) is expected to be pathogenic in the context of mucolipidosis IV. This variant is predicted to lead to an abnormal or absent protein product due to the creation of a premature termination codon in MCOLN1, a gene where loss-of-function variants are known to be pathogenic. Please note: this variant was assessed in the context of healthy population screening.

NM_020533.3(MCOLN1):c.516_517insCTGCT (p.Gly173fs)

Gene: MCOLN1 (mucolipin TRP cation channel 1; plus strand). Cytogenetic location: 19p13.2.
Variant type: Insertion.
Coding change: c.516_517insCTGCT on transcript NM_020533.3 (MANE Select); coding-DNA positions 516 to 517, CTGCT inserted.
Protein change: p.Gly173fs; shifts the reading frame from glycine 173.
Molecular consequence: frameshift variant.
Genome position: GRCh38 VCF-style: chr19-7526871-A-ACTGCT. GRCh37 (hg19) VCF-style: chr19-7591757-A-ACTGCT.
Other names: short protein forms G173fs.
Identifiers: ClinVar variation 5011481 (VCV005011481.1).